The following is an entry in ClinVar:

NM_004006.3(DMD):c.6751G>T (p.Glu2251Ter)

Gene: DMD (dystrophin; minus strand). Cytogenetic location: Xp21.1.
Variant type: single nucleotide variant.
Coding change: c.6751G>T on transcript NM_004006.3 (MANE Select); coding-DNA position 6751, G replaced by T.
Protein change: p.Glu2251Ter; replaces glutamic acid 2251 with a stop codon.
Molecular consequence: nonsense. On other transcripts: 5 prime UTR variant (5).
Genome position (GRCh38, 1-based): chrX:31,932,091, C>A on the plus strand (G>T on the coding strand, the complement: DMD is on the minus strand). VCF-style: chrX-31932091-C-A. GRCh37 (hg19) VCF-style: chrX-31950208-C-A.
Other names: c.6727G>T, p.Glu2243Ter (NM_000109.4); c.6739G>T, p.Glu2247Ter (NM_004009.3); c.6382G>T, p.Glu2128Ter (NM_004010.3); c.2728G>T, p.Glu910Ter (NM_004011.4); c.2719G>T, p.Glu907Ter (NM_004012.4); c.-630G>T (NM_004013.3, NM_004020.4, NM_004021.3 and 2 more transcripts); short protein forms E2247*, E2251*, E910*, E2128*, E2243*, E907*.
Identifiers: ClinVar variation 2018784 (VCV002018784.4), dbSNP rs2533456610, ClinGen allele CA412658109.

ClinVar aggregate classification (germline): Pathogenic (1 of 4 stars; one submission).

Conditions:
Duchenne muscular dystrophy (DMD). Also called: MUSCULAR DYSTROPHY, PSEUDOHYPERTROPHIC PROGRESSIVE, DUCHENNE TYPE; Duchenne Muscular Dystrophy (DMD). Identifiers: Orphanet 98896, MedGen C0013264, MONDO:0010679, OMIM 310200.

Submission:

Labcorp Genetics (formerly Invitae), Labcorp
Classification: Pathogenic for Duchenne muscular dystrophy. Last evaluated: 2021-11-30. Review status: criteria provided, single submitter. Criteria: Invitae Variant Classification Sherloc (09022015). Collection method: clinical testing. Allele origin: germline.
Comment: For these reasons, this variant has been classified as Pathogenic. This variant has not been reported in the literature in individuals affected with DMD-related conditions. This variant is not present in population databases (gnomAD no frequency). This sequence change creates a premature translational stop signal (p.Glu2251*) in the DMD gene. It is expected to result in an absent or disrupted protein product. Loss-of-function variants in DMD are known to be pathogenic (PMID: 16770791, 25007885).

Literature cited by the submitters: PubMed 16770791; PubMed 25007885.